The following is an entry in ClinVar:

ClinVar aggregate classification (germline): Uncertain significance. Review status: criteria provided, multiple submitters, no conflicts (2 of 4 stars). 2 submissions from 2 submitters: Uncertain significance (2). Last evaluated 2026-06-05.

Conditions:
Prader-Willi syndrome (PWS). Identifiers: Orphanet 739, MedGen C0032897, MONDO:0008300, OMIM 176270. Disease mechanism: loss of function, Microdeletion. Inheritance: Microdletion.
MAGEL2-related disorder. Also called: MAGEL2-related condition.

Allele frequency attached by ClinVar (database versions not stated): TOPMed 0.00001.
gnomAD v4.1: 11 of 1,613,812 alleles (0.00068%); highest among the groups gnomAD compares: East Asian, 0.0067%; no homozygotes.

Submissions (2):

PreventionGenetics, part of Exact Sciences
Classification: Uncertain significance for MAGEL2-related condition. Last evaluated: 2026-06-05. Review status: criteria provided, single submitter. Criteria: ACMG Guidelines, 2015. Collection method: clinical testing. Allele origin: germline.
Comment: The MAGEL2 c.3131C>T variant is predicted to result in the amino acid substitution p.Ser1044Leu. To our knowledge, this variant has not been reported in the literature. This variant is reported in 0.0033% of alleles in individuals of South Asian descent in gnomAD. At this time, the clinical significance of this variant is uncertain due to the absence of conclusive functional and genetic evidence.

Centre for Mendelian Genomics, University Medical Centre Ljubljana
Classification: Uncertain significance for Prader-Willi syndrome. Last evaluated: 2020-03-06. Review status: criteria provided, single submitter. Criteria: ACMG Guidelines, 2015. Collection method: clinical testing. Allele origin: unknown. Affected: yes.
Comment: This variant was classified as: Uncertain significance. The available evidence on this variant's pathogenicity is insufficient or conflicting. The following ACMG criteria were applied in classifying this variant: No criteria apply.

NM_019066.5(MAGEL2):c.3131C>T (p.Ser1044Leu)

Gene: MAGEL2 (MAGE family member L2; minus strand). Cytogenetic location: 15q11.2.
Variant type: single nucleotide variant.
Coding change: c.3131C>T on transcript NM_019066.5 (MANE Select); coding-DNA position 3131, C replaced by T.
Protein change: p.Ser1044Leu; replaces serine 1044 with leucine.
Molecular consequence: missense variant.
Genome position (GRCh38, 1-based): chr15:23,644,612, G>A on the plus strand (C>T on the coding strand, the complement: MAGEL2 is on the minus strand). VCF-style: chr15-23644612-G-A. GRCh37 (hg19) VCF-style: chr15-23889759-G-A.
Other names: short protein forms S1044L.
Identifiers: ClinVar variation 930673 (VCV000930673.4), dbSNP rs1267004913, ClinGen allele CA391325532.